The following is an entry in ClinVar:

NM_001023570.4(IQCB1):c.65A>G (p.Glu22Gly)

Gene: IQCB1 (IQ motif containing B1; minus strand). Cytogenetic location: 3q13.33.
Variant type: single nucleotide variant.
Coding change: c.65A>G on transcript NM_001023570.4 (MANE Select); coding-DNA position 65, A replaced by G.
Protein change: p.Glu22Gly; replaces glutamic acid 22 with glycine.
Molecular consequence: missense variant. On other transcripts: non-coding transcript variant (1).
Genome position (GRCh38, 1-based): chr3:121,828,896, T>C on the plus strand (A>G on the coding strand, the complement: IQCB1 is on the minus strand). VCF-style: chr3-121828896-T-C. GRCh37 (hg19) VCF-style: chr3-121547743-T-C.
Other names: c.65A>G, p.Glu22Gly (NM_001023571.4, NM_001319107.2); short protein forms E22G.
Identifiers: ClinVar variation 2097202 (VCV002097202.4), dbSNP rs2472529727, ClinGen allele CA354114824.

ClinVar aggregate classification (germline): Uncertain significance (1 of 4 stars; one submission).

Conditions:
Nephronophthisis. Also called: Juvenile Nephronophthisis. Identifiers: Orphanet 655, MedGen C0687120, MONDO:0019005, HP:0000090.

Submission:

Labcorp Genetics (formerly Invitae), Labcorp
Classification: Uncertain significance for Nephronophthisis. Last evaluated: 2022-02-12. Review status: criteria provided, single submitter. Criteria: Invitae Variant Classification Sherloc (09022015). Collection method: clinical testing. Allele origin: germline.
Comment: Algorithms developed to predict the effect of missense changes on protein structure and function are either unavailable or do not agree on the potential impact of this missense change (SIFT: "Tolerated"; PolyPhen-2: "Probably Damaging"; Align-GVGD: "Class C15"). This sequence change replaces glutamic acid, which is acidic and polar, with glycine, which is neutral and non-polar, at codon 22 of the IQCB1 protein (p.Glu22Gly). This variant is not present in population databases (gnomAD no frequency). This variant has not been reported in the literature in individuals affected with IQCB1-related conditions. In summary, the available evidence is currently insufficient to determine the role of this variant in disease. Therefore, it has been classified as a Variant of Uncertain Significance.